The following is an entry in ClinVar:

ClinVar aggregate classification (germline): Pathogenic/Likely pathogenic. Review status: criteria provided, multiple submitters, no conflicts (2 of 4 stars). 2 submissions from 2 submitters: Pathogenic (1); Likely pathogenic (1). Last evaluated 2022-03-29.

Conditions:
X-linked Alport syndrome (ATS1). Also called: NEPHROPATHY AND DEAFNESS, X-LINKED; COL4A5-Related Nephropathy. Identifiers: Orphanet 63, Orphanet 88917, MedGen C4746986, MONDO:0010520, OMIM 301050.

Submissions (2):

Myriad Genetics, Inc.
Classification: Likely pathogenic for X-linked Alport syndrome. Last evaluated: 2022-03-29. Review status: criteria provided, single submitter. Criteria: Myriad Women's Health Autosomal Recessive and X-Linked Classification Criteria (2021). Collection method: clinical testing. Allele origin: unknown.
Comment: NM_000495.4(COL4A5):c.2604delC(G869Efs*6) is expected to be pathogenic in the context of X-linked Alport syndrome. This variant is predicted to lead to an abnormal or absent protein product due to the creation of a premature termination codon in COL4A5, a gene where loss-of-function variants are known to be pathogenic. Please note: this variant was assessed in the context of healthy population screening.

GeneDx
Classification: Pathogenic. Last evaluated: 2017-07-24. Review status: criteria provided, single submitter. Criteria: GeneDx Variant Classification (06012015). Collection method: clinical testing. Allele origin: germline. Affected: yes.
Comment: The c.2604delC variant in the COL4A5 gene causes a frameshift starting with codon Glycine 869, changes this amino acid to a Glutamic acid residue and creates a premature Stop codon at position 6 of the new reading frame, denoted p.Gly869GlufsX6. This variant is predicted to cause loss of normal protein function either through protein truncation or nonsense-mediated mRNA decay. The variant is not observed in large population cohorts (Lek et al., 2016; 1000 Genomes Consortium et al., 2015; Exome Variant Server). Although this variant has not been previously reported to our knowledge, we consider ti to be pathogenic.

NM_033380.3(COL4A5):c.2604del (p.Gly869fs)

Gene: COL4A5 (collagen type IV alpha 5 chain; plus strand). Cytogenetic location: Xq22.3.
Variant type: Deletion.
Coding change: c.2604del on transcript NM_033380.3 (MANE Select); coding-DNA position 2604, one base deleted (C; older notation c.2604delC).
Protein change: p.Gly869fs; shifts the reading frame from glycine 869.
Molecular consequence: frameshift variant.
Genome position (GRCh38, 1-based): chrX:108,620,353, C deleted; the last of 4 consecutive C bases (chrX:108,620,350-108,620,353); deleting any one gives the same sequence. VCF-style (leftmost placement, unchanged base first): chrX-108620349-TC-T. GRCh37 (hg19) VCF-style: chrX-107863579-TC-T.
Other names: c.2604del, p.Gly869fs (NM_000495.5); short protein forms G869fs.
Identifiers: ClinVar variation 450980 (VCV000450980.4), dbSNP rs1556419850, ClinGen allele CA658656866.
Genomic context (GRCh38, chrX:108,620,349, plus strand): 5'-ATCCAGGACCTCCTGGACTTGATGTTCCAGGACCCCCAGGTGAAAGAGGCAGTCCAGGGA[TC>T]CCCGGAGCACCTGGTCCTATAGGACCTCCAGGATCACCAGGGCTTCCAGGAAAAGCAGGT-3'